The following is an entry in ClinVar:

ClinVar aggregate classification (germline): Uncertain significance. Review status: criteria provided, multiple submitters, no conflicts (2 of 4 stars). 2 submissions from 2 submitters: Uncertain significance (2). Last evaluated 2025-12-11.

Allele frequency attached by ClinVar (database versions not stated): TOPMed below 0.00001; gnomAD 0.00001; 1000 Genomes Project 30x 0.00016; 1000 Genomes Project 0.00020.
gnomAD v4.1: 14 of 1,607,378 alleles (0.00087%); highest among the groups gnomAD compares: East Asian, 0.0067%; no homozygotes.

Submissions (2):

Ambry Genetics
Classification: Uncertain significance. Last evaluated: 2025-12-11. Review status: criteria provided, single submitter. Criteria: Ambry Variant Classification Scheme 2023. Collection method: clinical testing. Allele origin: germline.

CeGaT Center for Human Genetics Tuebingen
Classification: Uncertain significance. Last evaluated: 2023-01-01. Review status: criteria provided, single submitter. Criteria: CeGaT Center For Human Genetics Tuebingen Variant Classification Criteria Version 2. Collection method: clinical testing. Allele origin: germline. Affected: yes. Observed: 1 variant allele.
Comment: PTPRS: PM2, PP2, PP3

NM_002850.4(PTPRS):c.4714C>T (p.Arg1572Trp)

Gene: PTPRS (protein tyrosine phosphatase receptor type S; minus strand). Cytogenetic location: 19p13.3.
Variant type: single nucleotide variant.
Coding change: c.4714C>T on transcript NM_002850.4 (MANE Select); coding-DNA position 4714, C replaced by T.
Protein change: p.Arg1572Trp; replaces arginine 1572 with tryptophan.
Molecular consequence: missense variant.
Genome position (GRCh38, 1-based): chr19:5,212,392, G>A on the plus strand (C>T on the coding strand, the complement: PTPRS is on the minus strand). VCF-style: chr19-5212392-G-A. GRCh37 (hg19) VCF-style: chr19-5212403-G-A.
Other names: c.4714C>T (NM_002850.3); c.4648C>T, p.Arg1550Trp (NM_001394011.1); c.4627C>T, p.Arg1543Trp (NM_001394012.1); c.4588C>T, p.Arg1530Trp (NM_001394013.1); c.3373C>T, p.Arg1125Trp (NM_130853.3); c.4600C>T, p.Arg1534Trp (NM_130854.3); c.3385C>T, p.Arg1129Trp (NM_130855.3); short protein forms R1125W, R1129W, R1530W, R1534W, R1543W, R1550W, R1572W.
Identifiers: ClinVar variation 2649111 (VCV002649111.24), dbSNP rs558410776, ClinGen allele CA9109019.
Genomic context (GRCh38, chr19:5,212,392, plus strand): 5'-CGTACCTGCAGTGAACCACGATGGGGCCGGCATCTGGCGGGTTGCAGGTCTTGACTCTCC[G>A]CAGGAAAGCCAGGAAGGGCGTTGGGTATTCGGGCACGCCATGGTCCGGCCACGCCGTAAA-3'
Protein context (NP_002841.3, residues 1562-1582): EYPTPFLAFL[Arg1572Trp]RVKTCNPPDA